The following is an entry in ClinVar:

ClinVar aggregate classification (germline): Uncertain significance (1 of 4 stars; one submission).

Conditions:
Wilson disease (WND). Also called: Wilson's disease. Identifiers: Orphanet 905, MedGen C0019202, MONDO:0010200, OMIM 277900. Disease mechanism: loss of function.

gnomAD v4.1: 1 of 1,614,206 alleles (0.000062%); highest among the groups gnomAD compares: Non-Finnish European, 0.000085%; no homozygotes.

Submission:

All of Us Research Program, National Institutes of Health
Classification: Uncertain significance for Wilson disease. Last evaluated: 2024-05-09. Review status: criteria provided, single submitter. Criteria: ACMG Guidelines, 2015. Collection method: clinical testing. Allele origin: germline. Inheritance: Autosomal recessive inheritance. Observed: 1 variant allele, 1 heterozygote.
Comment: This study involves interpretation of variants in research participants for the purpose of population health screening. Participant phenotype was not available at the time of variant classification. Additional details can be found in publication PMID: 35346344, PMCID: PMC8962531

NM_000053.4(ATP7B):c.2233C>G (p.Leu745Val)

Gene: ATP7B (ATPase copper transporting beta; minus strand). Cytogenetic location: 13q14.3.
Variant type: single nucleotide variant.
Coding change: c.2233C>G on transcript NM_000053.4 (MANE Select); coding-DNA position 2233, C replaced by G.
Protein change: p.Leu745Val; replaces leucine 745 with valine.
Molecular consequence: missense variant. On other transcripts: intron variant (20).
Genome position (GRCh38, 1-based): chr13:51,958,433, G>C on the plus strand (C>G on the coding strand, the complement: ATP7B is on the minus strand). VCF-style: chr13-51958433-G-C. GRCh37 (hg19) VCF-style: chr13-52532569-G-C.
Other names: c.2233C>G, p.Leu745Val (NM_001406519.1, NM_001406523.1, NM_001406525.1 and 7 more transcripts); c.1981C>G, p.Leu661Val (NM_001406531.1, NM_001406532.1, NM_001406540.1 and 1 more transcripts); c.1804C>G, p.Leu602Val (NM_001406539.1); c.1885C>G, p.Leu629Val (NM_001406543.1); c.1870-826C>G (NM_001406541.1, NM_001005918.3, NM_001406546.1 and 1 more transcripts); c.2122-826C>G (NM_001406527.1, NM_001406528.1, NM_001406534.1 and 2 more transcripts); c.2122-33C>G (NM_001406537.1, NM_001406521.1, NM_001406522.1 and 1 more transcripts); c.1286-8272C>G (NM_001406548.1); and 8 more; short protein forms L602V, L629V, L634V, L661V, L713V, L734V, L745V.
Identifiers: ClinVar variation 3385415 (VCV003385415.1).